The following is an entry in ClinVar:

NM_201253.3(CRB1):c.955A>C (p.Ser319Arg)

Gene: CRB1 (crumbs cell polarity complex component 1; plus strand). Cytogenetic location: 1q31.3.
Variant type: single nucleotide variant.
Coding change: c.955A>C on transcript NM_201253.3 (MANE Select); coding-DNA position 955, A replaced by C.
Protein change: p.Ser319Arg; replaces serine 319 with arginine.
Molecular consequence: missense variant. On other transcripts: non-coding transcript variant (2), intron variant (1).
Genome position (GRCh38, 1-based): chr1:197,347,446, A>C. VCF-style: chr1-197347446-A-C. GRCh37 (hg19) VCF-style: chr1-197316576-A-C.
Other names: c.748A>C, p.Ser250Arg (NM_001257965.2); c.955A>C, p.Ser319Arg (NM_001257966.2); c.653-9385A>C (NM_001193640.2); short protein forms S319R, S250R.
Identifiers: ClinVar variation 2148698 (VCV002148698.3), dbSNP rs1301972228, ClinGen allele CA344084204.

ClinVar aggregate classification (germline): Uncertain significance (1 of 4 stars; one submission).

Conditions:
Retinitis pigmentosa 12 (RP12). Also called: RP WITH OR WITHOUT PPRPE; RP WITH OR WITHOUT PRESERVED PARAARTERIOLE RETINAL PIGMENT EPITHELIUM; RETINITIS PIGMENTOSA WITH OR WITHOUT PARAARTERIOLAR PRESERVATION OF RETINAL PIGMENT EPITHELIUM. Identifiers: Orphanet 791, MedGen C1838647, MONDO:0010818, OMIM 600105.
Leber congenital amaurosis 8 (LCA8). Identifiers: Orphanet 65, MedGen C3151202, MONDO:0013453, OMIM 613835.

Allele frequency attached by ClinVar (database versions not stated): TOPMed below 0.00001; gnomAD 0.00001.
gnomAD v4.1: 1 of 1,614,056 alleles (0.000062%); highest among the groups gnomAD compares: East Asian, 0.0022%; no homozygotes.

Submission:

Labcorp Genetics (formerly Invitae), Labcorp
Classification: Uncertain significance for Leber congenital amaurosis 8; Retinitis pigmentosa 12. Last evaluated: 2024-10-16. Review status: criteria provided, single submitter. Criteria: Invitae Variant Classification Sherloc (09022015). Collection method: clinical testing. Allele origin: germline.
Comment: This sequence change replaces serine, which is neutral and polar, with arginine, which is basic and polar, at codon 319 of the CRB1 protein (p.Ser319Arg). This variant is present in population databases (no rsID available, gnomAD 0.06%). This variant has not been reported in the literature in individuals affected with CRB1-related conditions. ClinVar contains an entry for this variant (Variation ID: 2148698). Invitae Evidence Modeling of protein sequence and biophysical properties (such as structural, functional, and spatial information, amino acid conservation, physicochemical variation, residue mobility, and thermodynamic stability) has been performed for this missense variant. However, the output from this modeling did not meet the statistical confidence thresholds required to predict the impact of this variant on CRB1 protein function. In summary, the available evidence is currently insufficient to determine the role of this variant in disease. Therefore, it has been classified as a Variant of Uncertain Significance.